The following is an entry in ClinVar:

ClinVar aggregate classification (germline): Uncertain significance (1 of 4 stars; one submission).

Conditions:
Majeed syndrome (MJDS). Also called: LPIN2-Related Majeed Syndrome; CHRONIC RECURRENT MULTIFOCAL OSTEOMYELITIS 1, WITH CONGENITAL DYSERYTHROPOIETIC ANEMIA, WITH OR WITHOUT NEUTROPHILIC DERMATOSIS. Identifiers: Orphanet 77297, MedGen C1864997, MONDO:0012316, OMIM 609628.

Allele frequency attached by ClinVar (database versions not stated): gnomAD exomes below 0.00001 and 0.00001; ExAC 0.00001; TOPMed 0.00001.
gnomAD v4.1: 4 of 1,573,068 alleles (0.00025%); highest among the groups gnomAD compares: Admixed American, 0.0017%; no homozygotes.

Submission:

Labcorp Genetics (formerly Invitae), Labcorp
Classification: Uncertain significance for Majeed syndrome. Last evaluated: 2022-07-19. Review status: criteria provided, single submitter. Criteria: Invitae Variant Classification Sherloc (09022015). Collection method: clinical testing. Allele origin: germline.
Comment: In summary, the available evidence is currently insufficient to determine the role of this variant in disease. Therefore, it has been classified as a Variant of Uncertain Significance. Algorithms developed to predict the effect of missense changes on protein structure and function are either unavailable or do not agree on the potential impact of this missense change (SIFT: "Tolerated"; PolyPhen-2: "Possibly Damaging"; Align-GVGD: "Class C0"). ClinVar contains an entry for this variant (Variation ID: 1465930). This variant has not been reported in the literature in individuals affected with LPIN2-related conditions. This variant is present in population databases (rs746027036, gnomAD 0.003%). This sequence change replaces tyrosine, which is neutral and polar, with cysteine, which is neutral and slightly polar, at codon 515 of the LPIN2 protein (p.Tyr515Cys).

NM_001375808.2(LPIN2):c.1544A>G (p.Tyr515Cys)

Gene: LPIN2 (lipin 2; minus strand). Cytogenetic location: 18p11.31.
Variant type: single nucleotide variant.
Coding change: c.1544A>G on transcript NM_001375808.2 (MANE Select); coding-DNA position 1544, A replaced by G.
Protein change: p.Tyr515Cys; replaces tyrosine 515 with cysteine.
Molecular consequence: missense variant.
Genome position (GRCh38, 1-based): chr18:2,929,071, T>C on the plus strand (A>G on the coding strand, the complement: LPIN2 is on the minus strand). VCF-style: chr18-2929071-T-C. GRCh37 (hg19) VCF-style: chr18-2929069-T-C.
Other names: c.1544A>G, p.Tyr515Cys (NM_001375809.1, NM_014646.2); short protein forms Y515C.
Identifiers: ClinVar variation 1465930 (VCV001465930.8), dbSNP rs746027036, ClinGen allele CA8873072.
Genomic context (GRCh38, chr18:2,929,071, plus strand): 5'-ACTTGTAAAAAAACTGCAAGAGTATTTAACAATTATAAAAGCAGGAGTATTTACCGATTA[T>C]ATATCCTTATTACAAGGTTAGGATTGTCTATAAGTCCAGGGTTTTCTGCAAATTCGTGAT-3'
Protein context (NP_001362737.1, residues 505-525): IDNPNLVIRI[Tyr515Cys]NRYYNWALAA